The following is an entry in ClinVar:

NM_001100913.3(PACS2):c.983A>G (p.His328Arg)

Gene: PACS2 (phosphofurin acidic cluster sorting protein 2; plus strand). Cytogenetic location: 14q32.33.
Variant type: single nucleotide variant.
Coding change: c.983A>G on transcript NM_001100913.3 (MANE Select); coding-DNA position 983, A replaced by G.
Protein change: p.His328Arg; replaces histidine 328 with arginine.
Molecular consequence: missense variant.
Genome position (GRCh38, 1-based): chr14:105,379,762, A>G. VCF-style: chr14-105379762-A-G. GRCh37 (hg19) VCF-style: chr14-105846099-A-G.
Other names: c.758A>G, p.His253Arg (NM_001243127.3); c.983A>G, p.His328Arg (NM_015197.4); short protein forms H328R, H253R.
Identifiers: ClinVar variation 3662327 (VCV003662327.2).

ClinVar aggregate classification (germline): Uncertain significance (1 of 4 stars; one submission).

gnomAD v4.1: 1 of 1,613,636 alleles (0.000062%); highest among the groups gnomAD compares: Admixed American, 0.0017%; no homozygotes.

Submission:

Labcorp Genetics (formerly Invitae), Labcorp
Classification: Uncertain significance. Last evaluated: 2024-08-14. Review status: criteria provided, single submitter. Criteria: Invitae Variant Classification Sherloc (09022015). Collection method: clinical testing. Allele origin: germline.
Comment: This sequence change replaces histidine, which is basic and polar, with arginine, which is basic and polar, at codon 328 of the PACS2 protein (p.His328Arg). This variant is present in population databases (rs782062290, gnomAD 0.003%). This variant has not been reported in the literature in individuals affected with PACS2-related conditions. An algorithm developed to predict the effect of missense changes on protein structure and function (PolyPhen-2) suggests that this variant is likely to be disruptive. In summary, the available evidence is currently insufficient to determine the role of this variant in disease. Therefore, it has been classified as a Variant of Uncertain Significance.